The following is an entry in ClinVar:

ClinVar aggregate classification (germline): Benign. Review status: criteria provided, multiple submitters, no conflicts (2 of 4 stars). 4 submissions from 4 submitters: Benign (4). Last evaluated 2026-01-27.

Conditions:
Oculotrichoanal syndrome (MOTA). Also called: MARLES SYNDROME; Manitoba Oculotrichoanal (MOTA) Syndrome. Identifiers: Orphanet 2717, MedGen C1855425, MONDO:0009560, OMIM 248450.

Allele frequency attached by ClinVar (database versions not stated): TOPMed 0.00552; 1000 Genomes Project 30x 0.01202; 1000 Genomes Project 0.01338.
gnomAD v4.1: 3,028 of 1,612,190 alleles (0.19%); highest among the groups gnomAD compares: East Asian, 5.6%; 89 homozygotes.

Submissions (4):

Labcorp Genetics (formerly Invitae), Labcorp
Classification: Benign. Last evaluated: 2026-01-27. Review status: criteria provided, single submitter. Criteria: Invitae Variant Classification Sherloc (09022015). Collection method: clinical testing. Allele origin: germline.

GeneDx
Classification: Benign. Last evaluated: 2021-05-05. Review status: criteria provided, single submitter. Criteria: GeneDx Variant Classification Process June 2021. Collection method: clinical testing. Allele origin: germline. Affected: yes.

Illumina Laboratory Services, Illumina
Classification: Benign for Oculotrichoanal syndrome. Last evaluated: 2018-01-13. Review status: criteria provided, single submitter. Criteria: ICSL Variant Classification Criteria 13 December 2019. Collection method: clinical testing. Allele origin: germline.
Comment: This variant was observed in the ICSL laboratory as part of a predisposition screen in an ostensibly healthy population. It had not been previously curated by ICSL or reported in the Human Gene Mutation Database (HGMD: prior to June 1st, 2018), and was therefore a candidate for classification through an automated scoring system. Utilizing variant allele frequency, disease prevalence and penetrance estimates, and inheritance mode, an automated score was calculated to assess if this variant is too frequent to cause the disease. Based on the score and internal cut-off values, a variant classified as benign is not then subjected to further curation. The score for this variant resulted in a classification of benign for this disease.

Breakthrough Genomics
Classification: Benign. Review status: criteria provided, single submitter. Criteria: ACMG Guidelines, 2015. Collection method: not provided. Allele origin: germline. Inheritance: Autosomal recessive inheritance. Affected: yes.

NM_001379081.2(FREM1):c.4244C>G (p.Thr1415Ser)

Gene: FREM1 (FRAS1 related extracellular matrix 1; minus strand). Cytogenetic location: 9p22.3.
Variant type: single nucleotide variant.
Coding change: c.4244C>G on transcript NM_001379081.2 (MANE Select); coding-DNA position 4244, C replaced by G.
Protein change: p.Thr1415Ser; replaces threonine 1415 with serine.
Molecular consequence: missense variant. On other transcripts: non-coding transcript variant (1).
Genome position (GRCh38, 1-based): chr9:14,784,568, G>C on the plus strand (C>G on the coding strand, the complement: FREM1 is on the minus strand). VCF-style: chr9-14784568-G-C. GRCh37 (hg19) VCF-style: chr9-14784566-G-C.
Other names: c.4244C>G, p.Thr1415Ser (NM_144966.7); short protein forms T1415S.
Identifiers: ClinVar variation 366124 (VCV000366124.16), dbSNP rs75677527, ClinGen allele CA4990243.